The following is an entry in ClinVar:

ClinVar aggregate classification (germline): Pathogenic/Likely pathogenic. Review status: criteria provided, multiple submitters, no conflicts (2 of 4 stars). 3 submissions from 3 submitters: Pathogenic (1); Likely pathogenic (1). 1 of the submissions does not count toward it. Last evaluated 2025-02-03.

Conditions:
CDK13-related disorder. Also called: CDK13-related condition. Identifiers: MedGen C5816700.
Congenital heart defects, dysmorphic facial features, and intellectual developmental disorder (CHDFIDD). Identifiers: Orphanet 646278, MedGen C4479246, MONDO:0044302, OMIM 617360.

Submissions (3):

3billion
Classification: Likely pathogenic for Congenital heart defects, dysmorphic facial features, and intellectual developmental disorder. Last evaluated: 2025-02-03. Review status: criteria provided, single submitter. Criteria: ACMG Guidelines, 2015. Collection method: clinical testing. Allele origin: germline. Affected: yes.
Comment: The variant is not observed in the gnomAD v4.1.0 dataset. Predicted Consequence/Location: Missense variant In silico tool predictions suggest damaging effect of the variant on gene or gene product [REVEL: 0.94 (>=0.6, sensitivity 0.68 and specificity 0.92); 3Cnet: 0.67 (>=0.6, sensitivity 0.72 and precision 0.9)]. The same nucleotide change resulting in the same amino acid change has been previously reported to be associated with CDK13-related disorder (ClinVar ID: VCV000932284). The variant has been previously reported as assumed (i.e. paternity and maternity not confirmed) de novo in at least one similarly affected unrelated individual (PMID: 28807008). Different missense changes at the same codon (p.Lys734Glu, p.Lys734Thr) have been reported to be associated with CDK13-related disorder (ClinVar ID: VCV000422362, VCV001164023 /PMID: 28807008, 34580403). Therefore, this variant is classified as Likely pathogenic according to the recommendation of ACMG/AMP guideline.

PreventionGenetics, part of Exact Sciences
Classification: Pathogenic for CDK13-related condition. Last evaluated: 2023-05-18. Review status: criteria provided, single submitter. Criteria: ACMG Guidelines, 2015. Collection method: clinical testing. Allele origin: germline.
Comment: The CDK13 c.2201A>G variant is predicted to result in the amino acid substitution p.Lys734Arg. This variant has been reported as a de novo finding in individuals with CDK13-related autosomal dominant congenital heart defects, dysmorphic facial features, and intellectual developmental disorder (Lelieveld et al. 2017. PubMed ID: 28867141; 2017. PubMed ID: 28135719; Hamilton et al. 2017. PubMed ID: 29021403; Turner et al. 2019. PubMed ID: 31785789). Additionally, several other missense changes at this same amino acid position have also been reported as de novo and causative (p.Lys734Glu, p.Lys734Thr; Bostwick et al. 2017. PubMed ID: 28807008). This variant has not been reported in a large population database, indicating this variant is rare. This variant is interpreted as pathogenic.

GeneReviews
No classification provided. Condition: Congenital heart defects, dysmorphic facial features, and intellectual developmental disorder. Review status: no classification provided. Collection method: literature only. Allele origin: germline. Not counted in ClinVar's aggregate classification.

Literature cited by the submitters: PubMed 28807008 (cited by 3billion); NCBI Bookshelf NBK536784 (cited by GeneReviews); PubMed 30702837 (cited by GeneReviews).

NM_003718.5(CDK13):c.2201A>G (p.Lys734Arg)

Gene: CDK13 (cyclin dependent kinase 13; plus strand). Cytogenetic location: 7p14.1.
Variant type: single nucleotide variant.
Coding change: c.2201A>G on transcript NM_003718.5 (MANE Select); coding-DNA position 2201, A replaced by G.
Protein change: p.Lys734Arg; replaces lysine 734 with arginine.
Molecular consequence: missense variant.
Genome position (GRCh38, 1-based): chr7:40,001,879, A>G. VCF-style: chr7-40001879-A-G. GRCh37 (hg19) VCF-style: chr7-40041478-A-G.
Other names: c.2201A>G, p.Lys734Arg (NM_031267.4); short protein forms K734R.
Identifiers: ClinVar variation 932284 (VCV000932284.4), dbSNP rs1784692399, ClinGen allele CA367289075.